The following is an entry in ClinVar:

NM_005002.5(NDUFA9):c.963+242A>G

Gene: NDUFA9 (NADH:ubiquinone oxidoreductase subunit A9; plus strand). Cytogenetic location: 12p13.32.
Variant type: single nucleotide variant.
Coding change: c.963+242A>G on transcript NM_005002.5 (MANE Select); 242 bases into the intron after coding-DNA position 963, A replaced by G.
Molecular consequence: intron variant.
Genome position (GRCh38, 1-based): chr12:4,685,567, A>G. VCF-style: chr12-4685567-A-G. GRCh37 (hg19) VCF-style: chr12-4794733-A-G.
Identifiers: ClinVar variation 682728 (VCV000682728.1), dbSNP rs7978162, ClinGen allele CA15736790.

ClinVar aggregate classification (germline): Benign (1 of 4 stars; one submission).

Allele frequency attached by ClinVar (database versions not stated): 1000 Genomes Project 0.86661; 1000 Genomes Project 30x 0.86680; TOPMed 0.88909; gnomAD 0.89229 and 0.89510.

Submission:

GeneDx
Classification: Benign. Last evaluated: 2018-06-14. Review status: criteria provided, single submitter. Criteria: GeneDx Variant Classification (06012015). Collection method: clinical testing. Allele origin: germline. Affected: yes.
Comment: This variant is considered likely benign or benign based on one or more of the following criteria: it is a conservative change, it occurs at a poorly conserved position in the protein, it is predicted to be benign by multiple in silico algorithms, and/or has population frequency not consistent with disease.